The following is an entry in ClinVar:

NM_031372.4(HNRNPDL):c.282C>T (p.Ser94=)

Gene: HNRNPDL (heterogeneous nuclear ribonucleoprotein D like; minus strand). Cytogenetic location: 4q21.22.
Variant type: single nucleotide variant.
Coding change: c.282C>T on transcript NM_031372.4 (MANE Select); coding-DNA position 282, C replaced by T.
Protein change: p.Ser94=; no amino-acid change (serine 94 retained).
Molecular consequence: synonymous variant. On other transcripts: non-coding transcript variant (1).
Genome position (GRCh38, 1-based): chr4:82,429,409, G>A on the plus strand (C>T on the coding strand, the complement: HNRNPDL is on the minus strand). VCF-style: chr4-82429409-G-A. GRCh37 (hg19) VCF-style: chr4-83350562-G-A.
Other names: p.Ser94=; c.282C>T, p.Ser94= (NM_001207000.1).
Identifiers: ClinVar variation 705688 (VCV000705688.14), dbSNP rs200009960, ClinGen allele CA2985080.

ClinVar aggregate classification (germline): Likely benign. Review status: criteria provided, multiple submitters, no conflicts (2 of 4 stars). 4 submissions from 4 submitters: Likely benign (3). 1 of the submissions does not count toward it. Last evaluated 2026-01-12.

Conditions:
HNRNPDL-related disorder. Also called: HNRNPDL-related condition.
Autosomal dominant limb-girdle muscular dystrophy type 1G (LGMDD3). Also called: Limb-girdle muscular dystrophy, type 1G; MUSCULAR DYSTROPHY, LIMB-GIRDLE, AUTOSOMAL DOMINANT 3. Identifiers: Orphanet 55596, MedGen C1836765, MONDO:0012193, OMIM 609115.

Allele frequency attached by ClinVar (database versions not stated): ESP Exome Variant Server 0.00008; gnomAD 0.00009 and 0.00013; TOPMed 0.00011; ExAC 0.00025; gnomAD exomes 0.00027.
gnomAD v4.1: 350 of 1,613,402 alleles (0.022%); highest among the groups gnomAD compares: Middle Eastern, 0.2%; 2 homozygotes.

Submissions (4):

Labcorp Genetics (formerly Invitae), Labcorp
Classification: Likely benign for Autosomal dominant limb-girdle muscular dystrophy type 1G. Last evaluated: 2026-01-12. Review status: criteria provided, single submitter. Criteria: Invitae Variant Classification Sherloc (09022015). Collection method: clinical testing. Allele origin: germline.

Mayo Clinic Laboratories, Mayo Clinic
Classification: Likely benign. Last evaluated: 2025-09-17. Review status: criteria provided, single submitter. Criteria: ACMG Guidelines, 2015. Collection method: clinical testing. Allele origin: germline. Observed: 1 variant allele.
Comment: BP4, BP7

Blueprint Genetics
Classification: Likely benign. Last evaluated: 2024-11-14. Review status: criteria provided, single submitter. Criteria: ACMG Guidelines, 2015. Collection method: clinical testing. Allele origin: germline.

PreventionGenetics, part of Exact Sciences
Classification: Likely benign for HNRNPDL-related condition. Last evaluated: 2021-12-08. Review status: no assertion criteria provided. Collection method: clinical testing. Allele origin: germline. Not counted in ClinVar's aggregate classification.
Comment: This variant is classified as likely benign based on ACMG/AMP sequence variant interpretation guidelines (Richards et al. 2015 PMID: 25741868, with internal and published modifications).